The following is an entry in ClinVar:

NM_000293.3(PHKB):c.1458+3A>G

Gene: PHKB (phosphorylase kinase regulatory subunit beta; plus strand). Cytogenetic location: 16q12.1.
Variant type: single nucleotide variant.
Coding change: c.1458+3A>G on transcript NM_000293.3 (MANE Select); 3 bases into the intron after coding-DNA position 1458, A replaced by G.
Molecular consequence: intron variant.
Genome position (GRCh38, 1-based): chr16:47,610,923, A>G. VCF-style: chr16-47610923-A-G. GRCh37 (hg19) VCF-style: chr16-47644834-A-G.
Other names: c.1458+3A>G (NM_001363837.1); c.1437+3A>G (NM_001031835.3).
Identifiers: ClinVar variation 2141408 (VCV002141408.2), dbSNP rs776755499, ClinGen allele CA8040820.

ClinVar aggregate classification (germline): Uncertain significance. Review status: criteria provided, multiple submitters, no conflicts (2 of 4 stars). 2 submissions from 2 submitters: Uncertain significance (2). Last evaluated 2024-12-14.

Conditions:
Glycogen storage disease IXb (GSD9B). Also called: GLYCOGENOSIS OF LIVER AND MUSCLE, AUTOSOMAL RECESSIVE; GSD IXb; PHOSPHORYLASE KINASE DEFICIENCY OF LIVER AND MUSCLE, AUTOSOMAL RECESSIVE. Identifiers: Orphanet 79240, MedGen C0543514, MONDO:0009868, OMIM 261750.

Allele frequency attached by ClinVar (database versions not stated): gnomAD 0.00001; ExAC 0.00003; gnomAD exomes 0.00004; TOPMed 0.00005.
gnomAD v4.1: 56 of 1,513,550 alleles (0.0037%); highest among the groups gnomAD compares: Non-Finnish European, 0.0049%; no homozygotes.

Submissions (2):

Women's Health and Genetics/Laboratory Corporation of America, LabCorp
Classification: Uncertain significance. Last evaluated: 2024-12-14. Review status: criteria provided, single submitter. Criteria: LabCorp Variant Classification Summary - May 2015. Collection method: clinical testing. Allele origin: germline.

Labcorp Genetics (formerly Invitae), Labcorp
Classification: Uncertain significance for Glycogen storage disease IXb. Last evaluated: 2022-07-06. Review status: criteria provided, single submitter. Criteria: Invitae Variant Classification Sherloc (09022015). Collection method: clinical testing. Allele origin: germline.
Comment: This sequence change falls in intron 14 of the PHKB gene. It does not directly change the encoded amino acid sequence of the PHKB protein. It affects a nucleotide within the consensus splice site. This variant is present in population databases (rs776755499, gnomAD 0.006%). This variant has not been reported in the literature in individuals affected with PHKB-related conditions. Variants that disrupt the consensus splice site are a relatively common cause of aberrant splicing (PMID: 17576681, 9536098). Algorithms developed to predict the effect of sequence changes on RNA splicing suggest that this variant is not likely to affect RNA splicing. In summary, the available evidence is currently insufficient to determine the role of this variant in disease. Therefore, it has been classified as a Variant of Uncertain Significance.

Literature cited by the submitters: PubMed 17576681 (cited by Labcorp Genetics (formerly Invitae), Labcorp); PubMed 9536098 (cited by Labcorp Genetics (formerly Invitae), Labcorp).